The following is an entry in ClinVar:

ClinVar aggregate classification (germline): Conflicting classifications of pathogenicity. Review status: criteria provided, conflicting classifications (1 of 4 stars). 10 submissions from 10 submitters: Uncertain significance (9); Likely benign (1). Last evaluated 2025-12-22.

Conditions:
BARD1-related cancer predisposition. Identifiers: MedGen CN377756, MONDO:0700267.
Hereditary cancer-predisposing syndrome. Also called: Neoplastic Syndromes, Hereditary; Tumor predisposition; Hereditary Cancer Syndrome; Hereditary neoplastic syndrome. Identifiers: Orphanet 140162, MedGen C0027672, MeSH D009386, MONDO:0015356.
Familial cancer of breast. Also called: BREAST CANCER, FAMILIAL; Hereditary breast cancer; hereditary breast carcinoma. Identifiers: Orphanet 227535, MedGen C0346153, MONDO:0016419, OMIM 114480. Disease mechanism: loss of function.

Allele frequency attached by ClinVar (database versions not stated): ExAC 0.00002; gnomAD 0.00003 and 0.00004; gnomAD exomes 0.00003 and 0.00006; TOPMed 0.00003.
gnomAD v4.1: 93 of 1,610,146 alleles (0.0058%); highest among the groups gnomAD compares: Non-Finnish European, 0.0075%; no homozygotes.

Submissions (10):

Labcorp Genetics (formerly Invitae), Labcorp
Classification: Uncertain significance for Familial cancer of breast. Last evaluated: 2025-12-22. Review status: criteria provided, single submitter. Criteria: Invitae Variant Classification Sherloc (09022015). Collection method: clinical testing. Allele origin: germline.
Comment: This sequence change replaces alanine, which is neutral and non-polar, with proline, which is neutral and non-polar, at codon 33 of the BARD1 protein (p.Ala33Pro). This variant is present in population databases (rs587782465, gnomAD 0.006%). This missense change has been observed in individual(s) with ovarian cancer (PMID: 26315354). ClinVar contains an entry for this variant (Variation ID: 142436). An algorithm developed to predict the effect of missense changes on protein structure and function outputs the following: PolyPhen-2: "Benign". The proline amino acid residue is found in multiple mammalian species, which suggests that this missense change does not adversely affect protein function. In summary, the available evidence is currently insufficient to determine the role of this variant in disease. Therefore, it has been classified as a Variant of Uncertain Significance.

Mayo Clinic Laboratories, Mayo Clinic
Classification: Uncertain significance. Last evaluated: 2025-10-01. Review status: criteria provided, single submitter. Criteria: ACMG Guidelines, 2015. Collection method: clinical testing. Allele origin: germline. Observed: 1 variant allele.
Comment: BP4

Quest Diagnostics Nichols Institute San Juan Capistrano
Classification: Uncertain significance. Last evaluated: 2025-08-21. Review status: criteria provided, single submitter. Criteria: Quest Diagnostics criteria. Collection method: clinical testing. Allele origin: unknown.
Comment: The BARD1 c.97G>C (p.Ala33Pro) variant has been reported in the published literature in individuals with breast and/or ovarian cancer (PMID: 26315354 (2015), 33471991 (2021), see also LOVD), unspecified cancer (PMID: 34326862 (2021)), and reportedly unaffected individuals (PMID: 33471991 (2021), see also LOVD). The frequency of this variant in the general population (Genome Aggregation Database) is uninformative in the assessment of its pathogenicity. Analysis of this variant using bioinformatics tools for the prediction of the effect of amino acid changes on protein structure and function yielded predictions that this variant is benign. Based on the available information, we are unable to determine the clinical significance of this variant.

GeneDx
Classification: Uncertain significance. Last evaluated: 2025-06-16. Review status: criteria provided, single submitter. Criteria: GeneDx Variant Classification Process June 2021. Collection method: clinical testing. Allele origin: germline. Affected: yes.
Comment: In silico analysis suggests that this missense variant does not alter protein structure/function; This variant is associated with the following publications: (PMID: 18480049, 26315354, 34326862)

Ambry Genetics
Classification: Uncertain significance for Hereditary cancer-predisposing syndrome. Last evaluated: 2025-03-05. Review status: criteria provided, single submitter. Criteria: Ambry Variant Classification Scheme 2023. Collection method: clinical testing. Allele origin: germline.
Comment: The p.A33P variant (also known as c.97G>C), located in coding exon 1 of the BARD1 gene, results from a G to C substitution at nucleotide position 97. The alanine at codon 33 is replaced by proline, an amino acid with highly similar properties. This alteration has been previously reported in 2/3236 individuals with invasive epithelial ovarian cancer (Ramus SJ et al. J. Natl. Cancer Inst. 2015 Nov;107). This amino acid position is poorly conserved in available vertebrate species. In addition, this alteration is predicted to be tolerated by in silico analysis. Based on the available evidence, the clinical significance of this variant remains unclear.

Color Diagnostics, LLC DBA Color Health
Classification: Uncertain significance for Hereditary cancer-predisposing syndrome. Last evaluated: 2025-01-13. Review status: criteria provided, single submitter. Criteria: ACMG Guidelines, 2015. Collection method: clinical testing. Allele origin: germline.
Comment: This missense variant replaces alanine with proline at codon 33 of the BARD1 protein. Computational prediction suggests that this variant may not impact protein structure and function. To our knowledge, functional studies have not been reported for this variant. This variant has been reported in two individuals affected with ovarian cancer (PMID: 26315354). This variant has been identified in 9/268688 chromosomes in the general population by the Genome Aggregation Database (gnomAD). The available evidence is insufficient to determine the role of this variant in disease conclusively. Therefore, this variant is classified as a Variant of Uncertain Significance.

Myriad Genetics, Inc.
Classification: Likely benign for Familial cancer of breast. Last evaluated: 2024-07-18. Review status: criteria provided, single submitter. Criteria: Myriad Autosomal Dominant, Autosomal Recessive and X-Linked Classification Criteria (2023). Collection method: clinical testing. Allele origin: unknown.
Comment: This variant is considered likely benign. This variant is strongly associated with less severe personal and family histories of cancer, typical for individuals without pathogenic variants in this gene [PMID: 25085752].

Molecular Pathology, Peter Maccallum Cancer Centre
Classification: Uncertain significance for BARD1-related cancer predisposition. Last evaluated: 2024-04-20. Review status: criteria provided, single submitter. Criteria: ACMG Guidelines, 2015. Collection method: clinical testing. Allele origin: germline. Inheritance: Autosomal dominant inheritance.

Baylor Genetics
Classification: Uncertain significance for Familial cancer of breast. Last evaluated: 2023-11-29. Review status: criteria provided, single submitter. Criteria: ACMG Guidelines, 2015. Collection method: clinical testing. Allele origin: unknown.

Women's Health and Genetics/Laboratory Corporation of America, LabCorp
Classification: Uncertain significance. Last evaluated: 2022-12-08. Review status: criteria provided, single submitter. Criteria: LabCorp Variant Classification Summary - May 2015. Collection method: clinical testing. Allele origin: germline.
Comment: Variant summary: BARD1 c.97G>C (p.Ala33Pro) results in a non-conservative amino acid change in the encoded protein sequence. Three of five in-silico tools predict a benign effect of the variant on protein function. The variant allele was found at a frequency of 2.9e-05 in 237324 control chromosomes. The available data on variant occurrences in the general population are insufficient to allow any conclusion about variant significance. c.97G>C has been reported in the literature as a non-deleterious variant in settings of multigene panel testing of BRIP1, BARD1, PALB2, and NBN in at-least two individuals affected with serous ovarian cancer (example, Ramus_2015). These report(s) do not provide unequivocal conclusions about association of the variant with Hereditary Breast And Ovarian Cancer Syndrome. To our knowledge, no experimental evidence demonstrating an impact on protein function has been reported. Four clinical diagnostic laboratories have submitted clinical-significance assessments for this variant to ClinVar after 2014 and classified the variant as uncertain significance. Based on the evidence outlined above, the variant was classified as uncertain significance.

Literature cited by the submitters: PubMed 26315354 (cited by 6 submitters); PubMed 34326862 (cited by Mayo Clinic Laboratories, Mayo Clinic and Quest Diagnostics Nichols Institute San Juan Capistrano); PubMed 33471991 (cited by Quest Diagnostics Nichols Institute San Juan Capistrano); PubMed 25085752 (cited by Myriad Genetics, Inc.).

NM_000465.4(BARD1):c.97G>C (p.Ala33Pro)

Gene: BARD1 (BRCA1 associated RING domain 1; minus strand). Cytogenetic location: 2q35.
Variant type: single nucleotide variant.
Coding change: c.97G>C on transcript NM_000465.4 (MANE Select); coding-DNA position 97, G replaced by C.
Protein change: p.Ala33Pro; replaces alanine 33 with proline.
Molecular consequence: missense variant. On other transcripts: non-coding transcript variant (3).
Genome position (GRCh38, 1-based): chr2:214,809,473, C>G on the plus strand (G>C on the coding strand, the complement: BARD1 is on the minus strand). VCF-style: chr2-214809473-C-G. GRCh37 (hg19) VCF-style: chr2-215674197-C-G.
Other names: p.Ala33Pro; c.97G>C, p.Ala33Pro (NM_001282543.2, NM_001282545.2, NM_001282548.2 and 1 more transcripts); short protein forms A33P.
Identifiers: ClinVar variation 142436 (VCV000142436.37), dbSNP rs587782465, ClinGen allele CA168351.